The following is an entry in ClinVar:

NM_001271.4(CHD2):c.2291A>G (p.His764Arg)

Gene: CHD2 (chromodomain helicase DNA binding protein 2; plus strand). Cytogenetic location: 15q26.1.
Variant type: single nucleotide variant.
Coding change: c.2291A>G on transcript NM_001271.4 (MANE Select); coding-DNA position 2291, A replaced by G.
Protein change: p.His764Arg; replaces histidine 764 with arginine.
Molecular consequence: missense variant.
Genome position (GRCh38, 1-based): chr15:92,971,866, A>G. VCF-style: chr15-92971866-A-G. GRCh37 (hg19) VCF-style: chr15-93515096-A-G.
Other names: c.2291A>G (NM_001271.3); short protein forms H764R.
Identifiers: ClinVar variation 3670872 (VCV003670872.3).

ClinVar aggregate classification (germline): Conflicting classifications of pathogenicity. Review status: criteria provided, conflicting classifications (1 of 4 stars). 2 submissions from 2 submitters: Pathogenic (1); Uncertain significance (1). Last evaluated 2025-03-11.

Conditions:
Developmental and epileptic encephalopathy 94 (DEE94). Also called: CHD2-Related Neurodevelopmental Disorders; Epileptic encephalopathy, childhood-onset. Identifiers: Orphanet 1942, Orphanet 2382, MedGen C3809278, MONDO:0014150, OMIM 615369.

Submissions (2):

GeneDx
Classification: Pathogenic. Last evaluated: 2025-03-11. Review status: criteria provided, single submitter. Criteria: GeneDx Variant Classification Process June 2021. Collection method: clinical testing. Allele origin: germline. Affected: yes.
Comment: Not observed at significant frequency in large population cohorts (gnomAD); In silico analysis supports that this missense variant has a deleterious effect on protein structure/function; This variant is associated with the following publications: (PMID: 35774528)

Labcorp Genetics (formerly Invitae), Labcorp
Classification: Uncertain significance for Developmental and epileptic encephalopathy 94. Last evaluated: 2024-08-05. Review status: criteria provided, single submitter. Criteria: Invitae Variant Classification Sherloc (09022015). Collection method: clinical testing. Allele origin: germline.
Comment: This sequence change replaces histidine, which is basic and polar, with arginine, which is basic and polar, at codon 764 of the CHD2 protein (p.His764Arg). This variant is not present in population databases (gnomAD no frequency). This variant has not been reported in the literature in individuals affected with CHD2-related conditions. Advanced modeling of protein sequence and biophysical properties (such as structural, functional, and spatial information, amino acid conservation, physicochemical variation, residue mobility, and thermodynamic stability) performed at Invitae indicates that this missense variant is expected to disrupt CHD2 protein function with a positive predictive value of 95%. In summary, the available evidence is currently insufficient to determine the role of this variant in disease. Therefore, it has been classified as a Variant of Uncertain Significance.